The following is an entry in ClinVar:

NM_006306.4(SMC1A):c.1628A>G (p.Asp543Gly)

Gene: SMC1A (structural maintenance of chromosomes 1A; minus strand). Cytogenetic location: Xp11.22.
Variant type: single nucleotide variant.
Coding change: c.1628A>G on transcript NM_006306.4 (MANE Select); coding-DNA position 1628, A replaced by G.
Protein change: p.Asp543Gly; replaces aspartic acid 543 with glycine.
Molecular consequence: missense variant.
Genome position (GRCh38, 1-based): chrX:53,405,874, T>C on the plus strand (A>G on the coding strand, the complement: SMC1A is on the minus strand). VCF-style: chrX-53405874-T-C. GRCh37 (hg19) VCF-style: chrX-53432806-T-C.
Other names: c.1562A>G, p.Asp521Gly (NM_001281463.1); short protein forms D543G, D521G.
Identifiers: ClinVar variation 2016309 (VCV002016309.4), dbSNP rs2520930497, ClinGen allele CA413253751.

ClinVar aggregate classification (germline): Uncertain significance (1 of 4 stars; one submission).

Conditions:
Congenital muscular hypertrophy-cerebral syndrome (CDLS2). Also called: Cornelia de Lange syndrome 2; SMC1A-Related Cornelia de Lange Syndrome. Identifiers: Orphanet 199, MedGen C1802395, MONDO:0010370, OMIM 300590.

Submission:

Labcorp Genetics (formerly Invitae), Labcorp
Classification: Uncertain significance for Congenital muscular hypertrophy-cerebral syndrome. Last evaluated: 2022-07-12. Review status: criteria provided, single submitter. Criteria: Invitae Variant Classification Sherloc (09022015). Collection method: clinical testing. Allele origin: germline.
Comment: Algorithms developed to predict the effect of missense changes on protein structure and function are either unavailable or do not agree on the potential impact of this missense change (SIFT: "Deleterious"; PolyPhen-2: "Probably Damaging"; Align-GVGD: "Class C0"). This sequence change replaces aspartic acid, which is acidic and polar, with glycine, which is neutral and non-polar, at codon 543 of the SMC1A protein (p.Asp543Gly). This variant is not present in population databases (gnomAD no frequency). This variant has not been reported in the literature in individuals affected with SMC1A-related conditions. In summary, the available evidence is currently insufficient to determine the role of this variant in disease. Therefore, it has been classified as a Variant of Uncertain Significance.